The following is an entry in ClinVar:

ClinVar aggregate classification (germline): Uncertain significance. Review status: criteria provided, multiple submitters, no conflicts (2 of 4 stars). 2 submissions from 2 submitters: Uncertain significance (2). Last evaluated 2025-04-28.

Conditions:
Inborn genetic diseases. Identifiers: MedGen C0950123, MeSH D030342.

Allele frequency attached by ClinVar (database versions not stated): ExAC 0.00004.
gnomAD v4.1: 19 of 1,612,964 alleles (0.0012%); highest among the groups gnomAD compares: East Asian, 0.022%; no homozygotes.

Submissions (2):

Ambry Genetics
Classification: Uncertain significance for Inborn genetic diseases. Last evaluated: 2025-04-28. Review status: criteria provided, single submitter. Criteria: Ambry Variant Classification Scheme 2023. Collection method: clinical testing. Allele origin: germline.

Labcorp Genetics (formerly Invitae), Labcorp
Classification: Uncertain significance. Last evaluated: 2022-08-09. Review status: criteria provided, single submitter. Criteria: Invitae Variant Classification Sherloc (09022015). Collection method: clinical testing. Allele origin: germline.
Comment: This sequence change replaces proline, which is neutral and non-polar, with leucine, which is neutral and non-polar, at codon 4637 of the PCLO protein (p.Pro4637Leu). This variant is present in population databases (rs757268101, gnomAD 0.02%). This variant has not been reported in the literature in individuals affected with PCLO-related conditions. Algorithms developed to predict the effect of missense changes on protein structure and function are either unavailable or do not agree on the potential impact of this missense change (SIFT: "Deleterious"; PolyPhen-2: "Not Available"; Align-GVGD: "Class C0"). In summary, the available evidence is currently insufficient to determine the role of this variant in disease. Therefore, it has been classified as a Variant of Uncertain Significance.

NM_033026.6(PCLO):c.13910C>T (p.Pro4637Leu)

Gene: PCLO (piccolo presynaptic cytomatrix protein; minus strand). Cytogenetic location: 7q21.11.
Variant type: single nucleotide variant.
Coding change: c.13910C>T on transcript NM_033026.6 (MANE Select); coding-DNA position 13910, C replaced by T.
Protein change: p.Pro4637Leu; replaces proline 4637 with leucine.
Molecular consequence: missense variant.
Genome position (GRCh38, 1-based): chr7:82,845,407, G>A on the plus strand (C>T on the coding strand, the complement: PCLO is on the minus strand). VCF-style: chr7-82845407-G-A. GRCh37 (hg19) VCF-style: chr7-82474723-G-A.
Other names: c.13910C>T, p.Pro4637Leu (NM_014510.3); c.13910C>T (NM_033026.5); short protein forms P4637L.
Identifiers: ClinVar variation 1947832 (VCV001947832.3), dbSNP rs757268101, ClinGen allele CA4318987.